The following is an entry in ClinVar:

NM_032730.5(RTN4IP1):c.1015C>T (p.Arg339Cys)

Gene: RTN4IP1 (reticulon 4 interacting protein 1; minus strand). Cytogenetic location: 6q21.
Variant type: single nucleotide variant.
Coding change: c.1015C>T on transcript NM_032730.5 (MANE Select); coding-DNA position 1015, C replaced by T.
Protein change: p.Arg339Cys; replaces arginine 339 with cysteine.
Molecular consequence: missense variant.
Genome position (GRCh38, 1-based): chr6:106,583,396, G>A on the plus strand (C>T on the coding strand, the complement: RTN4IP1 is on the minus strand). VCF-style: chr6-106583396-G-A. GRCh37 (hg19) VCF-style: chr6-107031271-G-A.
Other names: c.715C>T, p.Arg239Cys (NM_001318746.1); short protein forms R339C, R239C.
Identifiers: ClinVar variation 960601 (VCV000960601.6), dbSNP rs190556786, ClinGen allele CA3944310.

ClinVar aggregate classification (germline): Uncertain significance. Review status: criteria provided, multiple submitters, no conflicts (2 of 4 stars). 2 submissions from 2 submitters: Uncertain significance (2). Last evaluated 2024-07-05.

Allele frequency attached by ClinVar (database versions not stated): gnomAD exomes 0.00002 and 0.00008; ExAC 0.00007; gnomAD 0.00012 and 0.00013; 1000 Genomes Project 30x 0.00016; TOPMed 0.00019; 1000 Genomes Project 0.00020.
gnomAD v4.1: 78 of 1,613,154 alleles (0.0048%); highest among the groups gnomAD compares: East Asian, 0.047%; no homozygotes.

Submissions (2):

Blueprint Genetics
Classification: Uncertain significance. Last evaluated: 2024-07-05. Review status: criteria provided, single submitter. Criteria: ACMG Guidelines, 2015. Collection method: clinical testing. Allele origin: germline.

Labcorp Genetics (formerly Invitae), Labcorp
Classification: Uncertain significance. Last evaluated: 2022-10-17. Review status: criteria provided, single submitter. Criteria: Invitae Variant Classification Sherloc (09022015). Collection method: clinical testing. Allele origin: germline.
Comment: This sequence change replaces arginine, which is basic and polar, with cysteine, which is neutral and slightly polar, at codon 339 of the RTN4IP1 protein (p.Arg339Cys). This variant is present in population databases (rs190556786, gnomAD 0.1%). This missense change has been observed in individual(s) with optic neuropathy (PMID: 32855858). ClinVar contains an entry for this variant (Variation ID: 960601). Advanced modeling of protein sequence and biophysical properties (such as structural, functional, and spatial information, amino acid conservation, physicochemical variation, residue mobility, and thermodynamic stability) performed at Invitae indicates that this missense variant is expected to disrupt RTN4IP1 protein function. In summary, the available evidence is currently insufficient to determine the role of this variant in disease. Therefore, it has been classified as a Variant of Uncertain Significance.

Literature cited by the submitters: PubMed 32855858 (cited by Labcorp Genetics (formerly Invitae), Labcorp).